The following is an entry in ClinVar:

ClinVar aggregate classification (germline): Uncertain significance. Review status: criteria provided, multiple submitters, no conflicts (2 of 4 stars). 3 submissions from 3 submitters: Uncertain significance (3). Last evaluated 2026-07-23.

Conditions:
Hereditary cancer-predisposing syndrome. Also called: Neoplastic Syndromes, Hereditary; Hereditary neoplastic syndrome; Hereditary Cancer Syndrome; Tumor predisposition. Identifiers: Orphanet 140162, MedGen C0027672, MeSH D009386, MONDO:0015356.
Familial cancer of breast. Also called: hereditary breast carcinoma; Hereditary breast cancer; BREAST CANCER, FAMILIAL. Identifiers: Orphanet 227535, MedGen C0346153, MONDO:0016419, OMIM 114480. Disease mechanism: loss of function.
Fanconi anemia complementation group J. Also called: BRIP1-Related Fanconi Anemia. Identifiers: Orphanet 84, MedGen C1836860, MONDO:0012187, OMIM 609054.

Submissions (3):

Ambry Genetics
Classification: Uncertain significance for Hereditary cancer-predisposing syndrome. Last evaluated: 2026-07-23. Review status: criteria provided, single submitter. Criteria: Ambry Variant Classification Scheme 2023. Collection method: clinical testing. Allele origin: germline.
Comment: The p.K998M variant (also known as c.2993A>T), located in coding exon 19 of the BRIP1 gene, results from an A to T substitution at nucleotide position 2993. The lysine at codon 998 is replaced by methionine, an amino acid with similar properties. This amino acid position is conserved. In addition, this alteration is predicted to be tolerated by in silico analysis. Based on the available evidence, the clinical significance of this variant remains unclear.

Labcorp Genetics (formerly Invitae), Labcorp
Classification: Uncertain significance for Familial cancer of breast; Fanconi anemia complementation group J. Last evaluated: 2024-06-06. Review status: criteria provided, single submitter. Criteria: Invitae Variant Classification Sherloc (09022015). Collection method: clinical testing. Allele origin: germline.
Comment: This sequence change replaces lysine, which is basic and polar, with methionine, which is neutral and non-polar, at codon 998 of the BRIP1 protein (p.Lys998Met). This variant is not present in population databases (gnomAD no frequency). This variant has not been reported in the literature in individuals affected with BRIP1-related conditions. ClinVar contains an entry for this variant (Variation ID: 489830). An algorithm developed to predict the effect of missense changes on protein structure and function (PolyPhen-2) suggests that this variant is likely to be disruptive. In summary, the available evidence is currently insufficient to determine the role of this variant in disease. Therefore, it has been classified as a Variant of Uncertain Significance.

Color Diagnostics, LLC DBA Color Health
Classification: Uncertain significance for Hereditary cancer-predisposing syndrome. Last evaluated: 2023-12-05. Review status: criteria provided, single submitter. Criteria: ACMG Guidelines, 2015. Collection method: clinical testing. Allele origin: germline.
Comment: This missense variant replaces lysine with methionine at codon 998 of the BRIP1 protein. Computational prediction suggests that this variant may not impact protein structure and function (internally defined REVEL score threshold <= 0.5, PMID: 27666373). To our knowledge, functional studies have not been reported for this variant. This variant has not been reported in individuals affected with BRIP1-related disorders in the literature. This variant has not been identified in the general population by the Genome Aggregation Database (gnomAD). The available evidence is insufficient to determine the role of this variant in disease conclusively. Therefore, this variant is classified as a Variant of Uncertain Significance.

NM_032043.3(BRIP1):c.2993A>T (p.Lys998Met)

Gene: BRIP1 (BRCA1 interacting DNA helicase 1; minus strand). Cytogenetic location: 17q23.2.
Variant type: single nucleotide variant.
Coding change: c.2993A>T on transcript NM_032043.3 (MANE Select); coding-DNA position 2993, A replaced by T.
Protein change: p.Lys998Met; replaces lysine 998 with methionine.
Molecular consequence: missense variant.
Genome position (GRCh38, 1-based): chr17:61,684,053, T>A on the plus strand (A>T on the coding strand, the complement: BRIP1 is on the minus strand). VCF-style: chr17-61684053-T-A. GRCh37 (hg19) VCF-style: chr17-59761414-T-A.
Other names: short protein forms K998M.
Identifiers: ClinVar variation 489830 (VCV000489830.9), dbSNP rs1555572922, ClinGen allele CA400480046.